The following is an entry in ClinVar:

NM_001376.5(DYNC1H1):c.13042A>C (p.Met4348Leu)

Gene: DYNC1H1 (dynein cytoplasmic 1 heavy chain 1; plus strand). Cytogenetic location: 14q32.31.
Variant type: single nucleotide variant.
Coding change: c.13042A>C on transcript NM_001376.5 (MANE Select); coding-DNA position 13042, A replaced by C.
Protein change: p.Met4348Leu; replaces methionine 4348 with leucine.
Molecular consequence: missense variant.
Genome position (GRCh38, 1-based): chr14:102,047,852, A>C. VCF-style: chr14-102047852-A-C. GRCh37 (hg19) VCF-style: chr14-102514189-A-C.
Other names: short protein forms M4348L.
Identifiers: ClinVar variation 246600 (VCV000246600.8), dbSNP rs879254327, ClinGen allele CA10584479.

ClinVar aggregate classification (germline): Uncertain significance. Review status: criteria provided, multiple submitters, no conflicts (2 of 4 stars). 4 submissions from 4 submitters: Uncertain significance (4). Last evaluated 2024-09-20.

Conditions:
Inborn genetic diseases. Identifiers: MedGen C0950123, MeSH D030342.
Charcot-Marie-Tooth disease axonal type 2O. Also called: Charcot-Marie-Tooth disease, axonal, type 20; Charcot-Marie-Tooth Neuropathy Type 2O; CHARCOT-MARIE-TOOTH NEUROPATHY, AXONAL, TYPE 2O; CHARCOT-MARIE-TOOTH DISEASE, AXONAL, AUTOSOMAL DOMINANT, TYPE 2O. Identifiers: Orphanet 284232, MedGen C3280220, MONDO:0013644, OMIM 614228.

Allele frequency attached by ClinVar (database versions not stated): gnomAD exomes below 0.00001; TOPMed 0.00002.
gnomAD v4.1: 5 of 1,613,198 alleles (0.00031%); highest among the groups gnomAD compares: Non-Finnish European, 0.00034%; no homozygotes.

Submissions (4):

Labcorp Genetics (formerly Invitae), Labcorp
Classification: Uncertain significance for Charcot-Marie-Tooth disease axonal type 2O. Last evaluated: 2024-09-20. Review status: criteria provided, single submitter. Criteria: Invitae Variant Classification Sherloc (09022015). Collection method: clinical testing. Allele origin: germline.
Comment: This sequence change replaces methionine, which is neutral and non-polar, with leucine, which is neutral and non-polar, at codon 4348 of the DYNC1H1 protein (p.Met4348Leu). This variant is present in population databases (no rsID available, gnomAD 0.0009%). This variant has not been reported in the literature in individuals affected with DYNC1H1-related conditions. ClinVar contains an entry for this variant (Variation ID: 246600). Invitae Evidence Modeling of protein sequence and biophysical properties (such as structural, functional, and spatial information, amino acid conservation, physicochemical variation, residue mobility, and thermodynamic stability) indicates that this missense variant is not expected to disrupt DYNC1H1 protein function with a negative predictive value of 95%. In summary, the available evidence is currently insufficient to determine the role of this variant in disease. Therefore, it has been classified as a Variant of Uncertain Significance.

GeneDx
Classification: Uncertain significance. Last evaluated: 2023-11-20. Review status: criteria provided, single submitter. Criteria: GeneDx Variant Classification Process June 2021. Collection method: clinical testing. Allele origin: germline. Affected: yes.
Comment: In silico analysis supports that this missense variant does not alter protein structure/function; Has not been previously published as pathogenic or benign to our knowledge; This variant is associated with the following publications: (PMID: 25512093, 25609763, 26100331)

Institute for Clinical Genetics, University Hospital TU Dresden, University Hospital TU Dresden
Classification: Uncertain significance. Last evaluated: 2023-02-16. Review status: criteria provided, single submitter. Criteria: ACMG Guidelines, 2015. Collection method: clinical testing. Allele origin: maternal.

Ambry Genetics
Classification: Uncertain significance for Inborn genetic diseases. Last evaluated: 2020-07-16. Review status: criteria provided, single submitter. Criteria: Ambry Variant Classification Scheme 2023. Collection method: clinical testing. Allele origin: germline.
Comment: The p.M4348L variant (also known as c.13042A>C), located in coding exon 73 of the DYNC1H1 gene, results from an A to C substitution at nucleotide position 13042. The methionine at codon 4348 is replaced by leucine, an amino acid with highly similar properties. This amino acid position is well conserved in available vertebrate species. In addition, this alteration is predicted to be tolerated by in silico analysis. Since supporting evidence is limited at this time, the clinical significance of this alteration remains unclear.